The following is an entry in ClinVar:

ClinVar aggregate classification (germline): Pathogenic (1 of 4 stars; one submission).

Submission:

Illumina Laboratory Services, Illumina
Classification: Pathogenic. Last evaluated: 2023-08-17. Review status: criteria provided, single submitter. Criteria: ICSL CNVClassificationCriteria Aug2020. Collection method: clinical testing. Allele origin: unknown.
Comment: This CNV is a 7.1 Mb deletion of 8p23.3-p23.1 on chromosome 8, seq[GRCh37]del(8)(p23.3p23.1), NC_000008.10:g.162266_7226691del, which is found in a de novo state. This CNV encompasses 30 protein coding genes. Distal 8p deletions that vary in size and location within 8p23 have been reported in multiple individuals with features that include intellectual disability, developmental delay, motor impairment, behavioral differences, congenital heart defects, microcephaly, and mild facial dysmorphism (PMID: 1619636; 19344873; 29165669; 33925474). In some cases, the deletions were confirmed to have occurred de novo. The FBXO25, DLGAP2, CLN8, ARHGEF10, and MYOM2 genes have been proposed as critical genes (PMID: 20459802; 28901431; 33925474). This CNV has not been reported in controls. Based on the available evidence, this CNV is classified as pathogenic.

Single allele

Genes: AGPAT5 (1-acylglycerol-3-phosphate O-acyltransferase 5; plus strand), ANGPT2 (angiopoietin 2; minus strand), ARHGEF10 (Rho guanine nucleotide exchange factor 10; plus strand), CLN8 (CLN8 transmembrane ER and ERGIC protein; plus strand), CSMD1 (CUB and Sushi multiple domains 1; minus strand) and 19 more. Cytogenetic location: 8p23.3-23.1.
Variant type: Deletion.
Identifiers: ClinVar variation 2671622 (VCV002671622.1).